The following is an entry in ClinVar:

NM_001142800.2(EYS):c.7117G>A (p.Ala2373Thr)

Gene: EYS (eyes shut homolog; minus strand). Cytogenetic location: 6q12.
Variant type: single nucleotide variant.
Coding change: c.7117G>A on transcript NM_001142800.2 (MANE Select); coding-DNA position 7117, G replaced by A.
Protein change: p.Ala2373Thr; replaces alanine 2373 with threonine.
Molecular consequence: missense variant.
Genome position (GRCh38, 1-based): chr6:63,864,297, C>T on the plus strand (G>A on the coding strand, the complement: EYS is on the minus strand). VCF-style: chr6-63864297-C-T. GRCh37 (hg19) VCF-style: chr6-64574190-C-T.
Other names: c.7117G>A, p.Ala2373Thr (NM_001292009.2); short protein forms A2373T.
Identifiers: ClinVar variation 991099 (VCV000991099.4), dbSNP rs372512515, ClinGen allele CA3876839.

ClinVar aggregate classification (germline): Uncertain significance. Review status: criteria provided, multiple submitters, no conflicts (2 of 4 stars). 3 submissions from 3 submitters: Uncertain significance (2). 1 of the submissions does not count toward it. Last evaluated 2022-08-15.

Conditions:
Autosomal recessive retinitis pigmentosa. Identifiers: MedGen C0339526.
Retinitis pigmentosa 25 (RP25). Identifiers: Orphanet 791, MedGen C1864446, MONDO:0011272, OMIM 602772.

Allele frequency attached by ClinVar (database versions not stated): gnomAD exomes 0.00002; TOPMed 0.00003; ExAC 0.00005; gnomAD 0.00005 and 0.00006.
gnomAD v4.1: 24 of 1,551,596 alleles (0.0015%); highest among the groups gnomAD compares: Admixed American, 0.0098%; no homozygotes.

Submissions (3):

Labcorp Genetics (formerly Invitae), Labcorp
Classification: Uncertain significance. Last evaluated: 2022-08-15. Review status: criteria provided, single submitter. Criteria: Invitae Variant Classification Sherloc (09022015). Collection method: clinical testing. Allele origin: germline.
Comment: This sequence change replaces alanine, which is neutral and non-polar, with threonine, which is neutral and polar, at codon 2373 of the EYS protein (p.Ala2373Thr). This variant is present in population databases (rs372512515, gnomAD 0.02%). This variant has not been reported in the literature in individuals affected with EYS-related conditions. ClinVar contains an entry for this variant (Variation ID: 991099). Algorithms developed to predict the effect of missense changes on protein structure and function (SIFT, PolyPhen-2, Align-GVGD) all suggest that this variant is likely to be tolerated. In summary, the available evidence is currently insufficient to determine the role of this variant in disease. Therefore, it has been classified as a Variant of Uncertain Significance.

Fulgent Genetics
Classification: Uncertain significance for Retinitis pigmentosa 25. Last evaluated: 2021-11-01. Review status: criteria provided, single submitter. Criteria: ACMG Guidelines, 2015. Collection method: clinical testing. Allele origin: unknown.

Natera, Inc.
Classification: Uncertain significance for Autosomal recessive retinitis pigmentosa. Last evaluated: 2020-08-24. Review status: no assertion criteria provided. Collection method: clinical testing. Allele origin: germline. Not counted in ClinVar's aggregate classification.